The following is an entry in ClinVar:

NM_000530.8(MPZ):c.615_617delinsC (p.Gly206fs)

Gene: MPZ (myelin protein zero; minus strand). Cytogenetic location: 1q23.3.
Variant type: Indel.
Coding change: c.615_617delinsC on transcript NM_000530.8 (MANE Select); coding-DNA positions 615 to 617, AGG replaced by C.
Protein change: p.Gly206fs; shifts the reading frame from glycine 206.
Molecular consequence: frameshift variant.
Genome position (GRCh38, 1-based): chr1:161,306,136-161,306,138, CCT replaced by G on the plus strand (AGG replaced by C on the coding strand, the reverse complement: MPZ is on the minus strand). VCF-style: chr1-161306136-CCT-G. GRCh37 (hg19) VCF-style: chr1-161275926-CCT-G.
Other names: c.615_617delinsC, p.Gly206fs (NM_001315491.2); short protein forms G206fs.
Identifiers: ClinVar variation 817219 (VCV000817219.1), dbSNP rs1571817544, ClinGen allele CA915943856.
Genomic context (GRCh38, chr1:161,306,136, plus strand): 5'-CCCATCTTGTCTAGGCCCCAAGTCCCGCTAACCTGCCGCCCGCGCTTCGACGCGTCCTTT[CCT>G]GGCTTGTGCAATTTCCCCTTCTCCATAGCACTGCAAGAAGAGAGACTGCTGTACGTTTGG-3'

ClinVar aggregate classification (germline): Likely pathogenic (1 of 4 stars; one submission).

Submission:

GeneDx
Classification: Likely pathogenic. Last evaluated: 2018-09-11. Review status: criteria provided, single submitter. Criteria: GeneDx Variant Classification (06012015). Collection method: clinical testing. Allele origin: germline. Affected: yes.
Comment: A variant that is likely pathogenic has been identified in the MPZ gene. The c.615_617delAGGinsC variant has not been published as a pathogenic variant, nor has it been reported as a benign variant to our knowledge. This variant is not observed in large population cohorts (Lek et al., 2016). The c.615_617delAGGinsC variant causes a frameshift starting with codon Glycine 206, changes this amino acid to a Lysine residue, and creates a premature Stop codon at position 28 of the new reading frame, denoted p.Gly206LysfsX28. This variant is predicted to cause loss of normal protein function through protein truncation, as the last 43 amino acids are replaced with 27 incorrect amino acids. Therefore, this variant is likely pathogenic; however, the possibility that it is benign cannot be excluded.